The following is an entry in ClinVar:

ClinVar aggregate classification (germline): Pathogenic (1 of 4 stars; one submission).

Conditions:
Neurofibromatosis, type 2 (SWNV). Also called: BILATERAL ACOUSTIC NEUROFIBROMATOSIS; SCHWANNOMATOSIS, VESTIBULAR; NF2-Related Schwannomatosis. Identifiers: Orphanet 637, MedGen C0027832, MONDO:0007039, OMIM 101000. Disease mechanism: loss of function.

Submission:

Labcorp Genetics (formerly Invitae), Labcorp
Classification: Pathogenic for Neurofibromatosis, type 2. Last evaluated: 2021-08-23. Review status: criteria provided, single submitter. Criteria: Invitae Variant Classification Sherloc (09022015). Collection method: clinical testing. Allele origin: germline.
Comment: This sequence change creates a premature translational stop signal (p.Arg341Glnfs*5) in the NF2 gene. It is expected to result in an absent or disrupted protein product. Loss-of-function variants in NF2 are known to be pathogenic (PMID: 9643284, 16983642). This variant is not present in population databases (ExAC no frequency). This variant has not been reported in the literature in individuals affected with NF2-related conditions. For these reasons, this variant has been classified as Pathogenic.

Literature cited by the submitters: PubMed 9643284; PubMed 16983642.

NM_000268.4(NF2):c.1022del (p.Arg341fs)

Gene: NF2 (NF2, moesin-ezrin-radixin like (MERLIN) tumor suppressor; plus strand). Cytogenetic location: 22q12.2.
Variant type: Deletion.
Coding change: c.1022del on transcript NM_000268.4 (MANE Select); coding-DNA position 1022, one base deleted (G; older notation c.1022delG).
Protein change: p.Arg341fs; shifts the reading frame from arginine 341.
Molecular consequence: frameshift variant. On other transcripts: non-coding transcript variant (1), intron variant (1).
Genome position (GRCh38, 1-based): chr22:29,671,848, G deleted. VCF-style (leftmost placement, unchanged base first): chr22-29671847-CG-C. GRCh37 (hg19) VCF-style: chr22-30067836-CG-C.
Other names: c.899del, p.Arg300fs (NM_181829.3); c.773del, p.Arg258fs (NM_181830.3, NM_181831.3); c.1022del, p.Arg341fs (NM_181832.3, NM_016418.5, NM_181825.3); c.448-22904del (NM_181833.3); c.896del, p.Arg299fs (NM_181828.3); short protein forms R299fs, R341fs, R258fs, R300fs.
Identifiers: ClinVar variation 1452085 (VCV001452085.6), dbSNP rs2147071740, ClinGen allele CA2573157860.
Genomic context (GRCh38, chr22:29,671,847, plus strand): 5'-CCCTGTGATTCAATGACTGTTTTTCTTCACCCCTCGCAGATGGAGCGGCAGCGCCTCGCT[CG>C]AGAGAAGCAGATGAGGGAGGAGGCTGAACGCACGAGGGATGAGTTGGAGAGGAGGCTGCT-3'